The following is an entry in ClinVar:

NM_001164665.2(KIAA1549):c.3399A>C (p.Arg1133Ser)

Gene: KIAA1549 (KIAA1549; minus strand). Cytogenetic location: 7q34.
Variant type: single nucleotide variant.
Coding change: c.3399A>C on transcript NM_001164665.2 (MANE Select); coding-DNA position 3399, A replaced by C.
Protein change: p.Arg1133Ser; replaces arginine 1133 with serine.
Molecular consequence: missense variant.
Genome position (GRCh38, 1-based): chr7:138,906,980, T>G on the plus strand (A>C on the coding strand, the complement: KIAA1549 is on the minus strand). VCF-style: chr7-138906980-T-G. GRCh37 (hg19) VCF-style: chr7-138591726-T-G.
Other names: c.3399A>C, p.Arg1133Ser (NM_020910.3); short protein forms R1133S.
Identifiers: ClinVar variation 964513 (VCV000964513.9), dbSNP rs1416758816, ClinGen allele CA369384950.

ClinVar aggregate classification (germline): Uncertain significance (1 of 4 stars; one submission).

Allele frequency attached by ClinVar (database versions not stated): gnomAD exomes below 0.00001; TOPMed 0.00001.

Submission:

Labcorp Genetics (formerly Invitae), Labcorp
Classification: Uncertain significance. Last evaluated: 2022-09-06. Review status: criteria provided, single submitter. Criteria: Invitae Variant Classification Sherloc (09022015). Collection method: clinical testing. Allele origin: germline.
Comment: In summary, the available evidence is currently insufficient to determine the role of this variant in disease. Therefore, it has been classified as a Variant of Uncertain Significance. Algorithms developed to predict the effect of missense changes on protein structure and function (SIFT, PolyPhen-2, Align-GVGD) all suggest that this variant is likely to be disruptive. ClinVar contains an entry for this variant (Variation ID: 964513). This variant has not been reported in the literature in individuals affected with KIAA1549-related conditions. This variant is present in population databases (no rsID available, gnomAD 0.0009%). This sequence change replaces arginine, which is basic and polar, with serine, which is neutral and polar, at codon 1133 of the KIAA1549 protein (p.Arg1133Ser).